The following is an entry in ClinVar:

NM_144672.4(OTOA):c.774A>C (p.Leu258Phe)

Gene: OTOA (otoancorin). Cytogenetic location: 16p12.2.
Variant type: single nucleotide variant.
Coding change: c.774A>C on transcript NM_144672.4 (MANE Select); coding-DNA position 774, A replaced by C.
Protein change: p.Leu258Phe; replaces leucine 258 with phenylalanine.
Molecular consequence: missense variant.
Genome position (GRCh38, 1-based): chr16:21,697,809, A>C. VCF-style: chr16-21697809-A-C. GRCh37 (hg19) VCF-style: chr16-21709130-A-C.
Other names: c.537A>C, p.Leu179Phe (NM_001161683.2); short protein forms L179F, L258F.
Identifiers: ClinVar variation 1185646 (VCV001185646.2), dbSNP rs2141672622, ClinGen allele CA395059418.
Genomic context (GRCh38, chr16:21,697,809, plus strand): 5'-TTTATTCATTTCTTTATTTTTTGTAGATGACTCTGCTTCATGGGTCAGTGCGGAACACTT[A>C]TGGGTTTTGGGCAGATACATGGTTCACCTATCGTTTGAAGAAATTACGAAAATTAGTCCT-3'
Protein context (NP_653273.3, residues 248-268): DSASWVSAEH[Leu258Phe]WVLGRYMVHL

ClinVar aggregate classification (germline): Uncertain significance. Review status: criteria provided, single submitter (1 of 4 stars). 2 submissions from 2 submitters: Uncertain significance (1). 1 of the submissions does not count toward it. Last evaluated 2022-09-01.

Conditions:
Autosomal recessive nonsyndromic hearing loss 22. Identifiers: Orphanet 90636, MedGen C1846896, MONDO:0011762, OMIM 607039.

Submissions (2):

3billion
Classification: Uncertain significance for Autosomal recessive nonsyndromic hearing loss 22. Last evaluated: 2022-09-01. Review status: criteria provided, single submitter. Criteria: ACMG Guidelines, 2015. Collection method: clinical testing. Allele origin: germline. Affected: yes. Observed: 1 heterozygote.
Comment: The variant is not observed in the gnomAD v2.1.1 dataset. While this variant results in missense change, protein truncation variants are a common disease-causing mechanism. Therefore, this variant is classified as uncertain significance according to the recommendation of ACMG/AMP guideline.

Deafness Molecular Diagnostic Center, Chinese PLA General Hospital
Classification: Uncertain significance for Autosomal recessive nonsyndromic hearing loss 22. Review status: no assertion criteria provided. Criteria: ACMG Guidelines, 2015. Collection method: case-control. Allele origin: maternal. Affected: yes. Not counted in ClinVar's aggregate classification.